The following is an entry in ClinVar:

NM_005633.4(SOS1):c.3391+3T>A

Gene: SOS1 (SOS Ras/Rac guanine nucleotide exchange factor 1; minus strand). Cytogenetic location: 2p22.1.
Variant type: single nucleotide variant.
Coding change: c.3391+3T>A on transcript NM_005633.4 (MANE Select); 3 bases into the intron after coding-DNA position 3391, T replaced by A.
Molecular consequence: intron variant.
Genome position (GRCh38, 1-based): chr2:38,989,267, A>T on the plus strand (T>A on the coding strand, the complement: SOS1 is on the minus strand). VCF-style: chr2-38989267-A-T. GRCh37 (hg19) VCF-style: chr2-39216408-A-T.
Other names: c.3370+3T>A (NM_001382394.1); c.3347-1676T>A (NM_001382395.1).
Identifiers: ClinVar variation 2801448 (VCV002801448.3), dbSNP rs761579423, ClinGen allele CA1246120533.

ClinVar aggregate classification (germline): Uncertain significance (1 of 4 stars; one submission).

Conditions:
RASopathy. Also called: rasopathies; Noonan spectrum disorder. Identifiers: Orphanet 536391, MedGen C5555857, MONDO:0021060.

Submission:

Labcorp Genetics (formerly Invitae), Labcorp
Classification: Uncertain significance for RASopathy. Last evaluated: 2023-07-13. Review status: criteria provided, single submitter. Criteria: Invitae Variant Classification Sherloc (09022015). Collection method: clinical testing. Allele origin: germline.
Comment: In summary, the available evidence is currently insufficient to determine the role of this variant in disease. Therefore, it has been classified as a Variant of Uncertain Significance. Variants that disrupt the consensus splice site are a relatively common cause of aberrant splicing (PMID: 17576681, 9536098). Algorithms developed to predict the effect of sequence changes on RNA splicing suggest that this variant is not likely to affect RNA splicing. This variant has not been reported in the literature in individuals affected with SOS1-related conditions. This variant is not present in population databases (gnomAD no frequency). This sequence change falls in intron 21 of the SOS1 gene. It does not directly change the encoded amino acid sequence of the SOS1 protein. It affects a nucleotide within the consensus splice site.

Literature cited by the submitters: PubMed 17576681; PubMed 9536098.